The following is an entry in ClinVar:

ClinVar aggregate classification (germline): Likely benign. Review status: criteria provided, multiple submitters, no conflicts (2 of 4 stars). 2 submissions from 2 submitters: Likely benign (2). Last evaluated 2017-12-26.

gnomAD v4.1: 2 of 1,529,826 alleles (0.00013%); highest among the groups gnomAD compares: Non-Finnish European, 0.00018%; no homozygotes.

Submissions (2):

Labcorp Genetics (formerly Invitae), Labcorp
Classification: Likely benign. Last evaluated: 2017-12-26. Review status: criteria provided, single submitter. Criteria: Invitae Variant Classification Sherloc (09022015). Collection method: clinical testing. Allele origin: germline.

GeneDx
Classification: Likely benign. Last evaluated: 2016-02-29. Review status: criteria provided, single submitter. Criteria: GeneDx Variant Classification (06012015). Collection method: clinical testing. Allele origin: germline. Affected: yes.
Comment: This variant is considered likely benign or benign based on one or more of the following criteria: it is a conservative change, it occurs at a poorly conserved position in the protein, it is predicted to be benign by multiple in silico algorithms, and/or has population frequency not consistent with disease.

NM_004408.4(DNM1):c.1422+9C>G

Gene: DNM1 (dynamin 1; plus strand). Cytogenetic location: 9q34.11.
Variant type: single nucleotide variant.
Coding change: c.1422+9C>G on transcript NM_004408.4 (MANE Select); 9 bases into the intron after coding-DNA position 1422, C replaced by G.
Molecular consequence: intron variant.
Genome position (GRCh38, 1-based): chr9:128,234,116, C>G. VCF-style: chr9-128234116-C-G. GRCh37 (hg19) VCF-style: chr9-130996395-C-G.
Other names: c.1422+9C>G (NM_001005336.3, NM_001288738.2, NM_001288737.2 and 1 more transcripts).
Identifiers: ClinVar variation 384343 (VCV000384343.4), dbSNP rs760832551, ClinGen allele CA16605332.